The following is an entry in ClinVar:

ClinVar aggregate classification (germline): Uncertain significance (1 of 4 stars; one submission).

Conditions:
Renal cell carcinoma. Identifiers: Orphanet 217071, MedGen C0007134, MeSH D002292, MONDO:0005086, HP:0005584.

Submission:

Labcorp Genetics (formerly Invitae), Labcorp
Classification: Uncertain significance for Renal cell carcinoma. Last evaluated: 2025-08-05. Review status: criteria provided, single submitter. Criteria: Invitae Variant Classification Sherloc (09022015). Collection method: clinical testing. Allele origin: germline.
Comment: This sequence change replaces phenylalanine, which is neutral and non-polar, with isoleucine, which is neutral and non-polar, at codon 1362 of the MET protein (p.Phe1362Ile). This variant is not present in population databases (gnomAD no frequency). This variant has not been reported in the literature in individuals affected with MET-related conditions. Invitae Evidence Modeling of protein sequence and biophysical properties (such as structural, functional, and spatial information, amino acid conservation, physicochemical variation, residue mobility, and thermodynamic stability) indicates that this missense variant is expected to disrupt MET protein function with a positive predictive value of 80%. In summary, the available evidence is currently insufficient to determine the role of this variant in disease. Therefore, it has been classified as a Variant of Uncertain Significance.

NM_000245.4(MET):c.4030T>A (p.Phe1344Ile)

Gene: MET (MET proto-oncogene, receptor tyrosine kinase; plus strand). Cytogenetic location: 7q31.2.
Variant type: single nucleotide variant.
Coding change: c.4030T>A on transcript NM_000245.4 (MANE Select); coding-DNA position 4030, T replaced by A.
Protein change: p.Phe1344Ile; replaces phenylalanine 1344 with isoleucine.
Molecular consequence: missense variant.
Genome position (GRCh38, 1-based): chr7:116,795,981, T>A. VCF-style: chr7-116795981-T-A. GRCh37 (hg19) VCF-style: chr7-116436035-T-A.
Other names: c.4084T>A, p.Phe1362Ile (NM_001127500.3); c.2740T>A, p.Phe914Ile (NM_001324402.2); short protein forms F1344I, F1362I, F914I.
Identifiers: ClinVar variation 4741114 (VCV004741114.1).